The following is an entry in ClinVar:

NM_017649.5(CNNM2):c.2186G>A (p.Arg729His)

Gene: CNNM2 (cyclin and CBS domain divalent metal cation transport mediator 2; plus strand). Cytogenetic location: 10q24.32.
Variant type: single nucleotide variant.
Coding change: c.2186G>A on transcript NM_017649.5 (MANE Select); coding-DNA position 2186, G replaced by A.
Protein change: p.Arg729His; replaces arginine 729 with histidine.
Molecular consequence: missense variant. On other transcripts: intron variant (1).
Genome position (GRCh38, 1-based): chr10:103,071,792, G>A. VCF-style: chr10-103071792-G-A. GRCh37 (hg19) VCF-style: chr10-104831549-G-A.
Other names: c.2167+3070G>A (NM_199076.3); short protein forms R729H.
Identifiers: ClinVar variation 2792323 (VCV002792323.4), dbSNP rs770767352, ClinGen allele CA5670559.

ClinVar aggregate classification (germline): Uncertain significance. Review status: criteria provided, multiple submitters, no conflicts (2 of 4 stars). 2 submissions from 2 submitters: Uncertain significance (2). Last evaluated 2026-06-07.

Allele frequency attached by ClinVar (database versions not stated): ExAC 0.00002; TOPMed 0.00002; gnomAD 0.00003; gnomAD exomes 0.00003.
gnomAD v4.1: 42 of 1,613,640 alleles (0.0026%); highest among the groups gnomAD compares: Non-Finnish European, 0.0031%; no homozygotes.

Submissions (2):

Revvity Omics, Revvity
Classification: Uncertain significance. Last evaluated: 2026-06-07. Review status: criteria provided, single submitter. Criteria: ACMG Guidelines, 2015. Collection method: clinical testing. Allele origin: germline.

Labcorp Genetics (formerly Invitae), Labcorp
Classification: Uncertain significance. Last evaluated: 2024-07-02. Review status: criteria provided, single submitter. Criteria: Invitae Variant Classification Sherloc (09022015). Collection method: clinical testing. Allele origin: germline.
Comment: This sequence change replaces arginine, which is basic and polar, with histidine, which is basic and polar, at codon 729 of the CNNM2 protein (p.Arg729His). This variant is present in population databases (rs770767352, gnomAD 0.004%). This variant has not been reported in the literature in individuals affected with CNNM2-related conditions. An algorithm developed to predict the effect of missense changes on protein structure and function (PolyPhen-2) suggests that this variant is likely to be tolerated. In summary, the available evidence is currently insufficient to determine the role of this variant in disease. Therefore, it has been classified as a Variant of Uncertain Significance.